The following is an entry in ClinVar:

NM_000883.4(IMPDH1):c.87C>T (p.His29=)

Genes: IMPDH1 (inosine monophosphate dehydrogenase 1; minus strand), LOC129999258 (ATAC-STARR-seq lymphoblastoid silent region 18606; plus strand). Cytogenetic location: 7q32.1.
Variant type: single nucleotide variant.
Coding change: c.87C>T on transcript NM_000883.4 (MANE Select); coding-DNA position 87, C replaced by T.
Protein change: p.His29=; no amino-acid change (histidine 29 retained).
Molecular consequence: synonymous variant.
Genome position (GRCh38, 1-based): chr7:128,409,815, G>A on the plus strand (C>T on the coding strand, the complement: IMPDH1 is on the minus strand). VCF-style: chr7-128409815-G-A. GRCh37 (hg19) VCF-style: chr7-128049869-G-A.
Other names: c.87C>T, p.His29= (NM_001102605.2, NM_001142576.2, NM_001304521.2 and 1 more transcripts); c.87C>T (NM_000883.3).
Identifiers: ClinVar variation 1556514 (VCV001556514.11), dbSNP rs377736744, ClinGen allele CA166137992.

ClinVar aggregate classification (germline): Benign/Likely benign. Review status: criteria provided, multiple submitters, no conflicts (2 of 4 stars). 4 submissions from 4 submitters: Benign (1); Likely benign (3). Last evaluated 2025-10-07.

Conditions:
IMPDH1-related disorder. Also called: IMPDH1-related condition; IMPDH1-related disorders.
Retinal dystrophy. Also called: Inherited retinal dystrophy. Identifiers: Orphanet 71862, MedGen C0854723, MeSH D058499, MONDO:0019118, HP:0000556.

Allele frequency attached by ClinVar (database versions not stated): gnomAD exomes 0.00004 and below 0.00001; gnomAD 0.00003 and 0.00004; TOPMed 0.00003.
gnomAD v4.1: 16 of 1,497,480 alleles (0.0011%); highest among the groups gnomAD compares: East Asian, 0.025%; no homozygotes.

Submissions (4):

Labcorp Genetics (formerly Invitae), Labcorp
Classification: Likely benign. Last evaluated: 2025-10-07. Review status: criteria provided, single submitter. Criteria: Invitae Variant Classification Sherloc (09022015). Collection method: clinical testing. Allele origin: germline.

PreventionGenetics, part of Exact Sciences
Classification: Likely benign for IMPDH1-related condition. Last evaluated: 2024-12-27. Review status: criteria provided, single submitter. Criteria: ACMG Guidelines, 2015. Collection method: clinical testing. Allele origin: germline.
Comment: This variant is classified as likely benign based on ACMG/AMP sequence variant interpretation guidelines (Richards et al. 2015 PMID: 25741868, with internal and published modifications).

Dept Of Ophthalmology, Nagoya University
Classification: Benign for Retinal dystrophy. Last evaluated: 2023-10-01. Review status: criteria provided, single submitter. Criteria: Submitter's publication. Collection method: research. Allele origin: germline. Affected: yes.

Blueprint Genetics
Classification: Likely benign. Last evaluated: 2023-07-28. Review status: criteria provided, single submitter. Criteria: ACMG Guidelines, 2015. Collection method: clinical testing. Allele origin: germline.